The following is an entry in ClinVar:

NM_021930.6(RINT1):c.629T>G (p.Leu210Arg)

Gene: RINT1 (RAD50 interactor 1; plus strand). Cytogenetic location: 7q22.3.
Variant type: single nucleotide variant.
Coding change: c.629T>G on transcript NM_021930.6 (MANE Select); coding-DNA position 629, T replaced by G.
Protein change: p.Leu210Arg; replaces leucine 210 with arginine.
Molecular consequence: missense variant. On other transcripts: 5 prime UTR variant (2), non-coding transcript variant (1), intron variant (1).
Genome position (GRCh38, 1-based): chr7:105,547,023, T>G. VCF-style: chr7-105547023-T-G. GRCh37 (hg19) VCF-style: chr7-105187470-T-G.
Other names: c.395T>G, p.Leu132Arg (NM_001346599.2); c.-391T>G (NM_001346600.2); c.-294T>G (NM_001346601.2); c.-27-3032T>G (NM_001346603.2); short protein forms L210R, L132R.
Identifiers: ClinVar variation 241412 (VCV000241412.10), dbSNP rs748281522, ClinGen allele CA4426478.

ClinVar aggregate classification (germline): Uncertain significance (1 of 4 stars; one submission).

Allele frequency attached by ClinVar (database versions not stated): gnomAD exomes 0.00001; ExAC 0.00002.
gnomAD v4.1: 9 of 1,614,074 alleles (0.00056%); highest among the groups gnomAD compares: South Asian, 0.0088%; no homozygotes.

Submission:

Labcorp Genetics (formerly Invitae), Labcorp
Classification: Uncertain significance. Last evaluated: 2020-08-06. Review status: criteria provided, single submitter. Criteria: Invitae Variant Classification Sherloc (09022015). Collection method: clinical testing. Allele origin: germline.
Comment: In summary, the available evidence is currently insufficient to determine the role of this variant in disease. Therefore, it has been classified as a Variant of Uncertain Significance. Algorithms developed to predict the effect of missense changes on protein structure and function (SIFT, PolyPhen-2, Align-GVGD) all suggest that this variant is likely to be tolerated, but these predictions have not been confirmed by published functional studies and their clinical significance is uncertain. This variant has not been reported in the literature in individuals with RINT1-related conditions. ClinVar contains an entry for this variant (Variation ID: 241412). This variant is present in population databases (rs748281522, ExAC 0.01%). This sequence change replaces leucine with arginine at codon 210 of the RINT1 protein (p.Leu210Arg). The leucine residue is moderately conserved and there is a moderate physicochemical difference between leucine and arginine.